The following is an entry in ClinVar:

NM_000440.3(PDE6A):c.1086G>A (p.Ala362=)

Gene: PDE6A (phosphodiesterase 6A; minus strand). Cytogenetic location: 5q32.
Variant type: single nucleotide variant.
Coding change: c.1086G>A on transcript NM_000440.3 (MANE Select); coding-DNA position 1086, G replaced by A.
Protein change: p.Ala362=; no amino-acid change (alanine 362 retained).
Molecular consequence: synonymous variant.
Genome position (GRCh38, 1-based): chr5:149,903,675, C>T on the plus strand (G>A on the coding strand, the complement: PDE6A is on the minus strand). VCF-style: chr5-149903675-C-T. GRCh37 (hg19) VCF-style: chr5-149283238-C-T.
Other names: p.A362A:GCG>GCA.
Identifiers: ClinVar variation 138633 (VCV000138633.67), dbSNP rs142259966, ClinGen allele CA292705.

ClinVar aggregate classification (germline): Conflicting classifications of pathogenicity. Review status: criteria provided, conflicting classifications (1 of 4 stars). 7 submissions from 7 submitters: Uncertain significance (1); Benign (4); Likely benign (2). Last evaluated 2026-01-26.

Conditions:
Retinitis pigmentosa (RP). Identifiers: Orphanet 791, MedGen C0035334, MeSH D012174, MONDO:0019200, OMIM 268000. Inheritance: Autosomal dominant, autosomal recessive and X linked inheritance.
Retinitis pigmentosa 43 (RP43). Identifiers: Orphanet 791, MedGen C3151139, MONDO:0013437, OMIM 613810.

Allele frequency attached by ClinVar (database versions not stated): 1000 Genomes Project 0.00100; 1000 Genomes Project 30x 0.00109; TOPMed 0.00409; ExAC 0.00418; gnomAD exomes 0.00422; gnomAD 0.00424 and 0.00445; ESP Exome Variant Server 0.00630.
gnomAD v4.1: 8,677 of 1,613,654 alleles (0.54%); highest among the groups gnomAD compares: Non-Finnish European, 0.65%; 30 homozygotes.

Submissions (7):

Labcorp Genetics (formerly Invitae), Labcorp
Classification: Benign. Last evaluated: 2026-01-26. Review status: criteria provided, single submitter. Criteria: Invitae Variant Classification Sherloc (09022015). Collection method: clinical testing. Allele origin: germline.

CeGaT Center for Human Genetics Tuebingen
Classification: Likely benign. Last evaluated: 2025-10-01. Review status: criteria provided, single submitter. Criteria: CeGaT Center For Human Genetics Tuebingen Variant Classification Criteria Version 2. Collection method: clinical testing. Allele origin: germline. Affected: yes. Observed: 14 variant alleles.
Comment: PDE6A: BP4, BP7, BS2

Blueprint Genetics
Classification: Likely benign. Last evaluated: 2024-11-19. Review status: criteria provided, single submitter. Criteria: ACMG Guidelines, 2015. Collection method: clinical testing. Allele origin: germline.

ARUP Laboratories, Molecular Genetics and Genomics, ARUP Laboratories
Classification: Benign for Retinitis pigmentosa 43. Last evaluated: 2018-12-12. Review status: criteria provided, single submitter. Criteria: ARUP Molecular Germline Variant Investigation Process. Collection method: clinical testing. Allele origin: germline.

Illumina Laboratory Services, Illumina
Classification: Uncertain significance for Retinitis pigmentosa. Last evaluated: 2018-01-12. Review status: criteria provided, single submitter. Criteria: ICSL Variant Classification Criteria 13 December 2019. Collection method: clinical testing. Allele origin: germline.

Eurofins Ntd Llc (ga)
Classification: Benign. Last evaluated: 2015-12-29. Review status: criteria provided, single submitter. Criteria: EGL Classification Definitions 2015. Collection method: clinical testing. Allele origin: germline. Observed: 1 variant allele, 1 heterozygote.

GeneDx
Classification: Benign. Last evaluated: 2012-06-12. Review status: criteria provided, single submitter. Criteria: GeneDx Variant Classification (06012015). Collection method: clinical testing. Allele origin: germline.
Comment: The variant is found in ARRP panel(s).